The following is an entry in ClinVar:

NM_000138.5(FBN1):c.43G>A (p.Val15Met)

Genes: FBN1 (fibrillin 1; minus strand), LOC130057019 (ATAC-STARR-seq lymphoblastoid silent region 6417; plus strand). Cytogenetic location: 15q21.1.
Variant type: single nucleotide variant.
Coding change: c.43G>A on transcript NM_000138.5 (MANE Select); coding-DNA position 43, G replaced by A.
Protein change: p.Val15Met; replaces valine 15 with methionine.
Molecular consequence: missense variant.
Genome position (GRCh38, 1-based): chr15:48,644,727, C>T on the plus strand (G>A on the coding strand, the complement: FBN1 is on the minus strand). VCF-style: chr15-48644727-C-T. GRCh37 (hg19) VCF-style: chr15-48936924-C-T.
Other names: short protein forms V15M.
Identifiers: ClinVar variation 953324 (VCV000953324.10), dbSNP rs1890262474, ClinGen allele CA392453883.
Genomic context (GRCh38, chr15:48,644,727, plus strand): 5'-TCACGTTCCCAGCCTCCAAATTGGCGTCCGCCCCATGGCTCGTGTAGGACGCTAAAAGCA[C>T]GGTAAATCCCAGGGCGATCTCCAGCAGACGCCCTCGACGCATGATGCCGAGCCGCCACCG-3'
Protein context (NP_000129.3, residues 5-25): RLLEIALGFT[Val15Met]LLASYTSHGA

ClinVar aggregate classification (germline): Uncertain significance (1 of 4 stars; one submission).

Conditions:
Marfan syndrome (MFS). Also called: FBN1-Related Marfan Syndrome; MARFAN SYNDROME, TYPE I; Marfan syndrome type 1; Marfan's syndrome; Marfan syndrome, classic. Identifiers: Orphanet 284963, Orphanet 558, MedGen C0024796, MONDO:0007947, OMIM 154700.
Familial thoracic aortic aneurysm and aortic dissection (TAAD). Also called: Thoracic aortic aneurysms and dissections. Identifiers: Orphanet 91387, MedGen C4707243, MONDO:0019625.

Submission:

Labcorp Genetics (formerly Invitae), Labcorp
Classification: Uncertain significance for Marfan syndrome; Familial thoracic aortic aneurysm and aortic dissection. Last evaluated: 2022-07-25. Review status: criteria provided, single submitter. Criteria: Invitae Variant Classification Sherloc (09022015). Collection method: clinical testing. Allele origin: germline.
Comment: In summary, the available evidence is currently insufficient to determine the role of this variant in disease. Therefore, it has been classified as a Variant of Uncertain Significance. Advanced modeling of protein sequence and biophysical properties (such as structural, functional, and spatial information, amino acid conservation, physicochemical variation, residue mobility, and thermodynamic stability) performed at Invitae indicates that this missense variant is not expected to disrupt FBN1 protein function. ClinVar contains an entry for this variant (Variation ID: 953324). This variant has not been reported in the literature in individuals affected with FBN1-related conditions. This variant is not present in population databases (gnomAD no frequency). This sequence change replaces valine, which is neutral and non-polar, with methionine, which is neutral and non-polar, at codon 15 of the FBN1 protein (p.Val15Met).